The following is an entry in ClinVar:

NM_004360.5(CDH1):c.1011T>C (p.Ser337=)

Gene: CDH1 (cadherin 1; plus strand). Cytogenetic location: 16q22.1.
Variant type: single nucleotide variant.
Coding change: c.1011T>C on transcript NM_004360.5 (MANE Select); coding-DNA position 1011, T replaced by C.
Protein change: p.Ser337=; no amino-acid change (serine 337 retained).
Molecular consequence: synonymous variant. On other transcripts: 5 prime UTR variant (2).
Genome position (GRCh38, 1-based): chr16:68,812,137, T>C. VCF-style: chr16-68812137-T-C. GRCh37 (hg19) VCF-style: chr16-68846040-T-C.
Other names: c.1011T>C, p.Ser337= (NM_001317184.2); c.-605T>C (NM_001317185.2); c.-809T>C (NM_001317186.2).
Identifiers: ClinVar variation 3379311 (VCV003379311.2).

ClinVar aggregate classification (germline): Benign/Likely benign. Review status: criteria provided, multiple submitters, no conflicts (2 of 4 stars). 2 submissions from 2 submitters: Benign (1); Likely benign (1). Last evaluated 2025-03-10.

Conditions:
Hereditary cancer-predisposing syndrome. Also called: Hereditary Cancer Syndrome; Tumor predisposition; Hereditary neoplastic syndrome; Neoplastic Syndromes, Hereditary. Identifiers: Orphanet 140162, MedGen C0027672, MeSH D009386, MONDO:0015356.
Hereditary diffuse gastric adenocarcinoma (HDGC). Also called: DIFFUSE GASTRIC AND LOBULAR BREAST CANCER SYNDROME. Identifiers: Orphanet 26106, MedGen C1708349, MONDO:0007648, OMIM 137215.

Submissions (2):

Ambry Genetics
Classification: Likely benign for Hereditary cancer-predisposing syndrome. Last evaluated: 2025-03-10. Review status: criteria provided, single submitter. Criteria: Ambry Variant Classification Scheme 2023. Collection method: clinical testing. Allele origin: germline.

Myriad Genetics, Inc.
Classification: Benign for Hereditary diffuse gastric adenocarcinoma. Last evaluated: 2024-09-17. Review status: criteria provided, single submitter. Criteria: Myriad Autosomal Dominant, Autosomal Recessive and X-Linked Classification Criteria (2023). Collection method: clinical testing. Allele origin: unknown.
Comment: This variant is considered benign. This variant is a silent/synonymous amino acid change and it is not expected to impact splicing.